The following is an entry in ClinVar:

NM_194454.3(KRIT1):c.1023dup (p.Glu342fs)

Gene: KRIT1 (KRIT1 ankyrin repeat containing; minus strand). Cytogenetic location: 7q21.2.
Variant type: Duplication.
Coding change: c.1023dup on transcript NM_194454.3 (MANE Select); coding-DNA position 1023, one base duplicated (A; older notation c.1023dupA).
Protein change: p.Glu342fs; shifts the reading frame from glutamic acid 342.
Molecular consequence: frameshift variant.
Genome position (GRCh38, 1-based): chr7:92,226,649, T duplicated on the plus strand (A on the coding strand, the reverse complement: KRIT1 is on the minus strand). VCF-style (leftmost placement, unchanged base first): chr7-92226648-C-CT. GRCh37 (hg19) VCF-style: chr7-91855962-C-CT.
Other names: c.879dup, p.Glu294fs (NM_001013406.2, NM_001350669.1, NM_001350670.1); c.309dup, p.Glu104fs (NM_001350671.1); c.1023dup, p.Glu342fs (NM_001350672.1, NM_001350673.1, NM_001350674.1 and 26 more transcripts); short protein forms E104fs, E294fs, E342fs.
Identifiers: ClinVar variation 4713757 (VCV004713757.1).

ClinVar aggregate classification (germline): Pathogenic (1 of 4 stars; one submission).

Conditions:
Cerebral cavernous malformation (CCM). Also called: CAVERNOUS ANGIOMA, FAMILIAL; CAVERNOUS ANGIOMATOUS MALFORMATIONS; CEREBRAL CAPILLARY MALFORMATIONS; Cavernous Hemangioma of Brain; Cerebral cavernous malformations; Cerebral cavernous hemangioma (type). Identifiers: Orphanet 221061, MedGen C2919945, MONDO:0000820, OMIM 116860, HP:0033522.

Submission:

Labcorp Genetics (formerly Invitae), Labcorp
Classification: Pathogenic for Cerebral cavernous malformation. Last evaluated: 2025-02-24. Review status: criteria provided, single submitter. Criteria: Invitae Variant Classification Sherloc (09022015). Collection method: clinical testing. Allele origin: germline.
Comment: This sequence change creates a premature translational stop signal (p.Glu342Argfs*15) in the KRIT1 gene. It is expected to result in an absent or disrupted protein product. Loss-of-function variants in KRIT1 are known to be pathogenic (PMID: 10508515, 11222804, 12404106, 24689081). This variant is not present in population databases (gnomAD no frequency). This variant has not been reported in the literature in individuals affected with KRIT1-related conditions. For these reasons, this variant has been classified as Pathogenic.

Literature cited by the submitters: PubMed 10508515; PubMed 11222804; PubMed 12404106; PubMed 24689081.